The following is an entry in ClinVar:

NM_000321.3(RB1):c.230C>G (p.Thr77Ser)

Gene: RB1 (RB transcriptional corepressor 1; plus strand). Cytogenetic location: 13q14.2.
Variant type: single nucleotide variant.
Coding change: c.230C>G on transcript NM_000321.3 (MANE Select); coding-DNA position 230, C replaced by G.
Protein change: p.Thr77Ser; replaces threonine 77 with serine.
Molecular consequence: missense variant.
Genome position (GRCh38, 1-based): chr13:48,307,372, C>G. VCF-style: chr13-48307372-C-G. GRCh37 (hg19) VCF-style: chr13-48881508-C-G.
Other names: c.230C>G, p.Thr77Ser (NM_001407165.1, NM_001407166.1, NM_001407167.1); short protein forms T77S.
Identifiers: ClinVar variation 4543905 (VCV004543905.2).

ClinVar aggregate classification (germline): Uncertain significance (1 of 4 stars; one submission).

Conditions:
Hereditary cancer-predisposing syndrome. Also called: Neoplastic Syndromes, Hereditary; Tumor predisposition; Hereditary Cancer Syndrome; Hereditary neoplastic syndrome. Identifiers: Orphanet 140162, MedGen C0027672, MeSH D009386, MONDO:0015356.

Submission:

Ambry Genetics
Classification: Uncertain significance for Hereditary cancer-predisposing syndrome. Last evaluated: 2026-08-06. Review status: criteria provided, single submitter. Criteria: Ambry Variant Classification Scheme 2023. Collection method: clinical testing. Allele origin: germline.
Comment: The p.T77S variant (also known as c.230C>G), located in coding exon 2 of the RB1 gene, results from a C to G substitution at nucleotide position 230. The threonine at codon 77 is replaced by serine, an amino acid with similar properties. This amino acid position is well conserved in available vertebrate species. In addition, this alteration is predicted to be tolerated by in silico analysis. Based on the available evidence, the clinical significance of this variant remains unclear.